The following is an entry in ClinVar:

ClinVar aggregate classification (germline): Likely pathogenic (1 of 4 stars; one submission).

Conditions:
Hereditary cancer-predisposing syndrome. Also called: Neoplastic Syndromes, Hereditary; Tumor predisposition; Hereditary neoplastic syndrome; Hereditary Cancer Syndrome. Identifiers: Orphanet 140162, MedGen C0027672, MeSH D009386, MONDO:0015356.

Submission:

Ambry Genetics
Classification: Likely pathogenic for Hereditary cancer-predisposing syndrome. Last evaluated: 2026-08-12. Review status: criteria provided, single submitter. Criteria: Ambry Variant Classification Scheme 2023. Collection method: clinical testing. Allele origin: germline.
Comment: The p.A345D variant (also known as c.1034C>A), located in coding exon 6 of the MEN1 gene, results from a C to A substitution at nucleotide position 1034. The alanine at codon 345 is replaced by aspartic acid, an amino acid with dissimilar properties. This variant was reported in individual(s) with features consistent with Multiple endocrine neoplasia type 1 (Ambry internal data). This amino acid position is highly conserved in available vertebrate species. The variant is highly destabilizing to the local structure (Ambry internal data; Krivtsov AV et al. Cancer Cell 2019 Dec;36(6):660-673.e11). In addition, this alteration is predicted to be deleterious by in silico analysis. Based on the majority of available evidence to date, this variant is likely to be pathogenic.

NM_001370259.2(MEN1):c.1034C>A (p.Ala345Asp)

Gene: MEN1 (menin 1; minus strand). Cytogenetic location: 11q13.1.
Variant type: single nucleotide variant.
Coding change: c.1034C>A on transcript NM_001370259.2 (MANE Select); coding-DNA position 1034, C replaced by A.
Protein change: p.Ala345Asp; replaces alanine 345 with aspartic acid.
Molecular consequence: missense variant. On other transcripts: non-coding transcript variant (4).
Genome position (GRCh38, 1-based): chr11:64,806,247, G>T on the plus strand (C>A on the coding strand, the complement: MEN1 is on the minus strand). VCF-style: chr11-64806247-G-T. GRCh37 (hg19) VCF-style: chr11-64573719-G-T.
Other names: c.1049C>A, p.Ala350Asp (NM_130803.3, NM_130804.3, NM_000244.4 and 5 more transcripts); c.1034C>A, p.Ala345Asp (NM_001370251.2, NM_001370260.2, NM_001370261.2 and 7 more transcripts); c.929C>A, p.Ala310Asp (NM_001370262.2, NM_001370263.2, NM_001407148.1 and 2 more transcripts); short protein forms A345D, A310D, A350D.
Identifiers: ClinVar variation 5024301 (VCV005024301.1).